The following is an entry in ClinVar:

NM_013352.4(DSE):c.-46C>T

Gene: DSE (dermatan sulfate epimerase; plus strand). Cytogenetic location: 6q22.1.
Variant type: single nucleotide variant.
Coding change: c.-46C>T on transcript NM_013352.4 (MANE Select); 46 bases upstream of the start codon, C replaced by T.
Molecular consequence: 5 prime UTR variant. On other transcripts: synonymous variant (1), non-coding transcript variant (1).
Genome position (GRCh38, 1-based): chr6:116,399,205, C>T. VCF-style: chr6-116399205-C-T. GRCh37 (hg19) VCF-style: chr6-116720368-C-T.
Other names: c.-46C>T (NM_001080976.3, NM_001322937.2, NM_001322938.2 and 3 more transcripts); c.12C>T, p.Phe4= (NM_001322939.2); c.-603C>T (NM_001322940.2, NM_001322941.2); c.-946C>T (NM_001374520.1); c.-633C>T (NM_001374521.1).
Identifiers: ClinVar variation 3038803 (VCV003038803.3), dbSNP rs181790874, ClinGen allele CA3969419.

ClinVar aggregate classification (germline): Benign. Review status: criteria provided, single submitter (1 of 4 stars). 2 submissions from 2 submitters: Benign (1). 1 of the submissions does not count toward it. Last evaluated 2024-07-22.

Conditions:
DSE-related disorder. Also called: DSE-related condition.

Allele frequency attached by ClinVar (database versions not stated): ExAC 0.00022; ESP Exome Variant Server 0.00038; TOPMed 0.00079; 1000 Genomes Project 0.00160; 1000 Genomes Project 30x 0.00172.
gnomAD v4.1: 248 of 1,610,616 alleles (0.015%); highest among the groups gnomAD compares: African/African-American, 0.27%; no homozygotes.

Submissions (2):

Women's Health and Genetics/Laboratory Corporation of America, LabCorp
Classification: Benign. Last evaluated: 2024-07-22. Review status: criteria provided, single submitter. Criteria: LabCorp Variant Classification Summary - May 2015. Collection method: clinical testing. Allele origin: germline.
Comment: Variant summary: DSE c.-46C>T is located in the untranslated mRNA region upstream of the initiation codon. Consensus agreement among computation tools predict no significant impact on normal splicing. However, these predictions have yet to be confirmed by functional studies. The variant allele was found at a frequency of 0.00019 in 247810 control chromosomes, predominantly at a frequency of 0.0027 within the African or African-American subpopulation in the gnomAD database. The observed variant frequency within African or African-American control individuals in the gnomAD database is approximately 2.4-fold of the estimated maximal expected allele frequency for a pathogenic variant in DSE causing Ehlers-Danlos syndrome, musculocontractural type 2 phenotype (0.0011). To our knowledge, no occurrence of c.-46C>T in individuals affected with Ehlers-Danlos syndrome, musculocontractural type 2 and no experimental evidence demonstrating its impact on protein function have been reported. ClinVar contains an entry for this variant (Variation ID: 3038803). Based on the evidence outlined above, the variant was classified as benign.

PreventionGenetics, part of Exact Sciences
Classification: Likely benign for DSE-related condition. Last evaluated: 2019-05-23. Review status: no assertion criteria provided. Collection method: clinical testing. Allele origin: germline. Not counted in ClinVar's aggregate classification.
Comment: This variant is classified as likely benign based on ACMG/AMP sequence variant interpretation guidelines (Richards et al. 2015 PMID: 25741868, with internal and published modifications).